The following is an entry in ClinVar:

NM_001754.5(RUNX1):c.804G>T (p.Gln268His)

Gene: RUNX1 (RUNX family transcription factor 1; minus strand). Cytogenetic location: 21q22.12.
Variant type: single nucleotide variant.
Coding change: c.804G>T on transcript NM_001754.5 (MANE Select); coding-DNA position 804, G replaced by T.
Protein change: p.Gln268His; replaces glutamine 268 with histidine.
Molecular consequence: missense variant.
Genome position (GRCh38, 1-based): chr21:34,834,411, C>A on the plus strand (G>T on the coding strand, the complement: RUNX1 is on the minus strand). VCF-style: chr21-34834411-C-A. GRCh37 (hg19) VCF-style: chr21-36206708-C-A.
Other names: c.723G>T, p.Gln241His (NM_001001890.3, NM_001122607.2); short protein forms Q241H, Q268H.
Identifiers: ClinVar variation 5028598 (VCV005028598.1).

ClinVar aggregate classification (germline): Uncertain significance (1 of 4 stars; one submission).

Conditions:
Inborn genetic diseases. Identifiers: MedGen C0950123, MeSH D030342.

Submission:

Ambry Genetics
Classification: Uncertain significance for Inborn genetic diseases. Last evaluated: 2026-08-05. Review status: criteria provided, single submitter. Criteria: Ambry Variant Classification Scheme 2023. Collection method: clinical testing. Allele origin: germline.
Comment: The p.Q268H variant (also known as c.804G>T), located in coding exon 6 of the RUNX1 gene, results from a G to T substitution at nucleotide position 804. The glutamine at codon 268 is replaced by histidine, an amino acid with highly similar properties. This amino acid position is conserved. In addition, the in silico prediction for this alteration is inconclusive. Based on the available evidence, the clinical significance of this variant remains unclear.